The following is an entry in ClinVar:

ClinVar aggregate classification (germline): Uncertain significance (1 of 4 stars; one submission).

Submission:

Labcorp Genetics (formerly Invitae), Labcorp
Classification: Uncertain significance. Last evaluated: 2022-06-20. Review status: criteria provided, single submitter. Criteria: Invitae Variant Classification Sherloc (09022015). Collection method: clinical testing. Allele origin: germline.
Comment: This sequence change replaces valine, which is neutral and non-polar, with isoleucine, which is neutral and non-polar, at codon 195 of the RTN4IP1 protein (p.Val195Ile). This variant is not present in population databases (gnomAD no frequency). This variant has not been reported in the literature in individuals affected with RTN4IP1-related conditions. Algorithms developed to predict the effect of missense changes on protein structure and function output the following: SIFT: "Tolerated"; PolyPhen-2: "Benign"; Align-GVGD: "Class C0". The isoleucine amino acid residue is found in multiple mammalian species, which suggests that this missense change does not adversely affect protein function. In summary, the available evidence is currently insufficient to determine the role of this variant in disease. Therefore, it has been classified as a Variant of Uncertain Significance.

NM_032730.5(RTN4IP1):c.583G>A (p.Val195Ile)

Gene: RTN4IP1 (reticulon 4 interacting protein 1; minus strand). Cytogenetic location: 6q21.
Variant type: single nucleotide variant.
Coding change: c.583G>A on transcript NM_032730.5 (MANE Select); coding-DNA position 583, G replaced by A.
Protein change: p.Val195Ile; replaces valine 195 with isoleucine.
Molecular consequence: missense variant.
Genome position (GRCh38, 1-based): chr6:106,619,239, C>T on the plus strand (G>A on the coding strand, the complement: RTN4IP1 is on the minus strand). VCF-style: chr6-106619239-C-T. GRCh37 (hg19) VCF-style: chr6-107067114-C-T.
Other names: c.283G>A, p.Val95Ile (NM_001318746.1); short protein forms V195I, V95I.
Identifiers: ClinVar variation 1475568 (VCV001475568.8), dbSNP rs779677217, ClinGen allele CA365163449.